The following is an entry in ClinVar:

ClinVar aggregate classification (germline): Uncertain significance. Review status: criteria provided, multiple submitters, no conflicts (2 of 4 stars). 2 submissions from 2 submitters: Uncertain significance (2). Last evaluated 2024-03-25.

Allele frequency attached by ClinVar (database versions not stated): gnomAD exomes below 0.00001.
gnomAD v4.1: 2 of 1,177,854 alleles (0.00017%); highest among the groups gnomAD compares: East Asian, 0.003%; no homozygotes.

Submissions (2):

Women's Health and Genetics/Laboratory Corporation of America, LabCorp
Classification: Uncertain significance. Last evaluated: 2024-03-25. Review status: criteria provided, single submitter. Criteria: LabCorp Variant Classification Summary - May 2015. Collection method: clinical testing. Allele origin: germline.
Comment: Variant summary: HUWE1 c.2953C>A (p.Gln985Lys) results in a conservative amino acid change in the encoded protein sequence. Four of five in-silico tools predict a benign effect of the variant on protein function. The variant was absent in 181801 control chromosomes. The available data on variant occurrences in the general population are insufficient to allow any conclusion about variant significance. To our knowledge, no occurrence of c.2953C>A in individuals affected with Intellectual Disability, X-Linked Syndromic, Turner Type and no experimental evidence demonstrating its impact on protein function have been reported. No submitters have cited clinical-significance assessments for this variant to ClinVar. Based on the evidence outlined above, the variant was classified as uncertain significance.

Labcorp Genetics (formerly Invitae), Labcorp
Classification: Uncertain significance. Last evaluated: 2023-12-17. Review status: criteria provided, single submitter. Criteria: Invitae Variant Classification Sherloc (09022015). Collection method: clinical testing. Allele origin: germline.
Comment: This sequence change replaces glutamine, which is neutral and polar, with lysine, which is basic and polar, at codon 985 of the HUWE1 protein (p.Gln985Lys). This variant is not present in population databases (gnomAD no frequency). This variant has not been reported in the literature in individuals affected with HUWE1-related conditions. Advanced modeling of protein sequence and biophysical properties (such as structural, functional, and spatial information, amino acid conservation, physicochemical variation, residue mobility, and thermodynamic stability) performed at Invitae indicates that this missense variant is not expected to disrupt HUWE1 protein function with a negative predictive value of 95%. In summary, the available evidence is currently insufficient to determine the role of this variant in disease. Therefore, it has been classified as a Variant of Uncertain Significance.

NM_031407.7(HUWE1):c.2953C>A (p.Gln985Lys)

Gene: HUWE1 (HECT, UBA and WWE domain containing E3 ubiquitin protein ligase 1; minus strand). Cytogenetic location: Xp11.22.
Variant type: single nucleotide variant.
Coding change: c.2953C>A on transcript NM_031407.7 (MANE Select); coding-DNA position 2953, C replaced by A.
Protein change: p.Gln985Lys; replaces glutamine 985 with lysine.
Molecular consequence: missense variant.
Genome position (GRCh38, 1-based): chrX:53,602,582, G>T on the plus strand (C>A on the coding strand, the complement: HUWE1 is on the minus strand). VCF-style: chrX-53602582-G-T. GRCh37 (hg19) VCF-style: chrX-53629543-G-T.
Other names: short protein forms Q985K.
Identifiers: ClinVar variation 2703650 (VCV002703650.5), dbSNP rs2526758455, ClinGen allele CA413180213.